The following is an entry in ClinVar:

ClinVar aggregate classification (germline): Uncertain significance (1 of 4 stars; one submission).

Conditions:
Hereditary cancer-predisposing syndrome. Also called: Neoplastic Syndromes, Hereditary; Hereditary Cancer Syndrome; Hereditary neoplastic syndrome; Tumor predisposition. Identifiers: Orphanet 140162, MedGen C0027672, MeSH D009386, MONDO:0015356.

Allele frequency attached by ClinVar (database versions not stated): TOPMed below 0.00001; gnomAD 0.00001.

Submission:

Ambry Genetics
Classification: Uncertain significance for Hereditary cancer-predisposing syndrome. Last evaluated: 2023-04-20. Review status: criteria provided, single submitter. Criteria: Ambry Variant Classification Scheme 2023. Collection method: clinical testing. Allele origin: germline.
Comment: The p.W186C variant (also known as c.558G>T), located in coding exon 3 of the FLCN gene, results from a G to T substitution at nucleotide position 558. The tryptophan at codon 186 is replaced by cysteine, an amino acid with highly dissimilar properties. This amino acid position is conserved. In addition, this alteration is predicted to be deleterious by in silico analysis. Since supporting evidence is limited at this time, the clinical significance of this alteration remains unclear.

NM_144997.7(FLCN):c.558G>T (p.Trp186Cys)

Gene: FLCN (folliculin; minus strand). Cytogenetic location: 17p11.2.
Variant type: single nucleotide variant.
Coding change: c.558G>T on transcript NM_144997.7 (MANE Select); coding-DNA position 558, G replaced by T.
Protein change: p.Trp186Cys; replaces tryptophan 186 with cysteine.
Molecular consequence: missense variant.
Genome position (GRCh38, 1-based): chr17:17,223,982, C>A on the plus strand (G>T on the coding strand, the complement: FLCN is on the minus strand). VCF-style: chr17-17223982-C-A. GRCh37 (hg19) VCF-style: chr17-17127296-C-A.
Other names: c.612G>T, p.Trp204Cys (NM_001353229.2); c.558G>T, p.Trp186Cys (NM_001353230.2, NM_001353231.2, NM_144606.7); short protein forms W204C, W186C.
Identifiers: ClinVar variation 2561015 (VCV002561015.2), dbSNP rs1185698194, ClinGen allele CA398534290.
Genomic context (GRCh38, chr17:17,223,982, plus strand): 5'-CTTGAGCGCCTTGCCCTGGAGCTCATCGATGATTCCCCGGACCTTCCCCAGCAGGAAGGG[C>A]CAGGAGTTGATGAGGTAGATCCGGTCCATCATGATGGTGATGATGCTGTACCAGCGCTGG-3'
Protein context (NP_659434.2, residues 176-196): MMDRIYLINS[Trp186Cys]PFLLGKVRGI